The following is an entry in ClinVar:

ClinVar aggregate classification (germline): Uncertain significance. Review status: criteria provided, multiple submitters, no conflicts (2 of 4 stars). 2 submissions from 2 submitters: Uncertain significance (2). Last evaluated 2023-07-25.

Conditions:
Melnick-Needles syndrome (MNS). Also called: MELNICK-NEEDLES OSTEODYSPLASTY; OSTEODYSPLASTY OF MELNICK AND NEEDLES; Melnick-Needles Syndrome (FLNA-MNS). Identifiers: Orphanet 2484, MedGen C0025237, MONDO:0010650, OMIM 309350.
Frontometaphyseal dysplasia (FMD1). Identifiers: Orphanet 1826, MedGen C0265293, MONDO:0015942.
Oto-palato-digital syndrome, type II (OPD2). Also called: FACIOPALATOOSSEOUS SYNDROME; Otopalatodigital Syndrome, Type II; OPD II SYNDROME; Otopalatodigital Syndrome Type 2 (FLNA-OPD2). Identifiers: Orphanet 669, Orphanet 90652, MedGen C1844696, MONDO:0010571, OMIM 304120.
Heterotopia, periventricular, X-linked dominant (PVNH1). Also called: PERIVENTRICULAR NODULAR HETEROTOPIA 4; HETEROTOPIA, PERIVENTRICULAR, 1; PERIVENTRICULAR NODULAR HETEROTOPIA 1; X-linked periventricular heterotopia. Identifiers: Orphanet 2149, Orphanet 82004, MedGen C1848213, MONDO:0010233, OMIM 300049.

Allele frequency attached by ClinVar (database versions not stated): gnomAD 0.00002.
gnomAD v4.1: 2 of 1,209,331 alleles (0.00017%); highest among the groups gnomAD compares: African/African-American, 0.0035%; 1 homozygote.

Submissions (2):

Labcorp Genetics (formerly Invitae), Labcorp
Classification: Uncertain significance for Oto-palato-digital syndrome, type II; Heterotopia, periventricular, X-linked dominant; Frontometaphyseal dysplasia; Melnick-Needles syndrome. Last evaluated: 2023-07-25. Review status: criteria provided, single submitter. Criteria: Invitae Variant Classification Sherloc (09022015). Collection method: clinical testing. Allele origin: germline.
Comment: In summary, the available evidence is currently insufficient to determine the role of this variant in disease. Therefore, it has been classified as a Variant of Uncertain Significance. Algorithms developed to predict the effect of sequence changes on RNA splicing suggest that this variant may create or strengthen a splice site. This variant has not been reported in the literature in individuals affected with FLNA-related conditions. This variant is not present in population databases (gnomAD no frequency). This sequence change affects codon 1020 of the FLNA mRNA. It is a 'silent' change, meaning that it does not change the encoded amino acid sequence of the FLNA protein.

Blueprint Genetics
Classification: Uncertain significance. Last evaluated: 2018-06-28. Review status: criteria provided, single submitter. Criteria: ACMG Guidelines, 2015. Collection method: clinical testing. Allele origin: germline.

NM_001110556.2(FLNA):c.3060G>A (p.Val1020=)

Gene: FLNA (filamin A; minus strand). Cytogenetic location: Xq28.
Variant type: single nucleotide variant.
Coding change: c.3060G>A on transcript NM_001110556.2 (MANE Select); coding-DNA position 3060, G replaced by A.
Protein change: p.Val1020=; no amino-acid change (valine 1020 retained).
Molecular consequence: synonymous variant.
Genome position (GRCh38, 1-based): chrX:154,361,455, C>T on the plus strand (G>A on the coding strand, the complement: FLNA is on the minus strand). VCF-style: chrX-154361455-C-T. GRCh37 (hg19) VCF-style: chrX-153589823-C-T.
Other names: c.3060G>A, p.Val1020= (NM_001456.4).
Identifiers: ClinVar variation 2931379 (VCV002931379.4), dbSNP rs1603361557, ClinGen allele CA519708696.